The following is an entry in ClinVar:

NM_173477.5(USH1G):c.464G>A (p.Arg155Gln)

Gene: USH1G (USH1 protein network component sans; minus strand). Cytogenetic location: 17q25.1.
Variant type: single nucleotide variant.
Coding change: c.464G>A on transcript NM_173477.5 (MANE Select); coding-DNA position 464, G replaced by A.
Protein change: p.Arg155Gln; replaces arginine 155 with glutamine.
Molecular consequence: missense variant.
Genome position (GRCh38, 1-based): chr17:74,920,372, C>T on the plus strand (G>A on the coding strand, the complement: USH1G is on the minus strand). VCF-style: chr17-74920372-C-T. GRCh37 (hg19) VCF-style: chr17-72916467-C-T.
Other names: c.155G>A, p.Arg52Gln (NM_001282489.3); short protein forms R52Q, R155Q.
Identifiers: ClinVar variation 1507733 (VCV001507733.6), dbSNP rs1302527895, ClinGen allele CA400965268.

ClinVar aggregate classification (germline): Uncertain significance (1 of 4 stars; one submission).

Allele frequency attached by ClinVar (database versions not stated): gnomAD exomes below 0.00001 and 0.00001.
gnomAD v4.1: 4 of 1,612,704 alleles (0.00025%); highest among the groups gnomAD compares: East Asian, 0.0045%; no homozygotes.

Submission:

Labcorp Genetics (formerly Invitae), Labcorp
Classification: Uncertain significance. Last evaluated: 2021-11-05. Review status: criteria provided, single submitter. Criteria: Invitae Variant Classification Sherloc (09022015). Collection method: clinical testing. Allele origin: germline.
Comment: This sequence change replaces arginine, which is basic and polar, with glutamine, which is neutral and polar, at codon 155 of the USH1G protein (p.Arg155Gln). This variant is present in population databases (no rsID available, gnomAD 0.006%). This variant has not been reported in the literature in individuals affected with USH1G-related conditions. Algorithms developed to predict the effect of missense changes on protein structure and function are either unavailable or do not agree on the potential impact of this missense change (SIFT: "Not Available"; PolyPhen-2: "Benign"; Align-GVGD: "Not Available"). In summary, the available evidence is currently insufficient to determine the role of this variant in disease. Therefore, it has been classified as a Variant of Uncertain Significance.